The following is an entry in ClinVar:

ClinVar aggregate classification (germline): Pathogenic (1 of 4 stars; one submission).

Conditions:
Xanthinuria type II. Also called: Xanthine dehydrogenase and aldehyde oxidase combined deficiency of; XDH and AOX dual deficiency. Identifiers: Orphanet 3467, Orphanet 93602, MedGen C1863688, MONDO:0011346, OMIM 603592.

Allele frequency attached by ClinVar (database versions not stated): gnomAD exomes below 0.00001 and 0.00001; gnomAD 0.00001; TOPMed 0.00001; ExAC 0.00002.

Submission:

Labcorp Genetics (formerly Invitae), Labcorp
Classification: Pathogenic for Xanthinuria type II. Last evaluated: 2023-01-31. Review status: criteria provided, single submitter. Criteria: Invitae Variant Classification Sherloc (09022015). Collection method: clinical testing. Allele origin: germline.
Comment: ClinVar contains an entry for this variant (Variation ID: 1452243). For these reasons, this variant has been classified as Pathogenic. This variant has not been reported in the literature in individuals affected with MOCOS-related conditions. This variant is present in population databases (rs775406459, gnomAD 0.01%). This sequence change creates a premature translational stop signal (p.Ile306Serfs*6) in the MOCOS gene. It is expected to result in an absent or disrupted protein product. Loss-of-function variants in MOCOS are known to be pathogenic (PMID: 11302742, 17368066).

Literature cited by the submitters: PubMed 11302742; PubMed 17368066.

NM_017947.4(MOCOS):c.916del (p.Ile306fs)

Gene: MOCOS (molybdenum cofactor sulfurase; plus strand). Cytogenetic location: 18q12.2.
Variant type: Deletion.
Coding change: c.916del on transcript NM_017947.4 (MANE Select); coding-DNA position 916, one base deleted (A; older notation c.916delA).
Protein change: p.Ile306fs; shifts the reading frame from isoleucine 306.
Molecular consequence: frameshift variant.
Genome position (GRCh38, 1-based): chr18:36,200,299, A deleted. VCF-style (leftmost placement, unchanged base first): chr18-36200298-CA-C. GRCh37 (hg19) VCF-style: chr18-33780261-CA-C.
Other names: short protein forms I306fs.
Identifiers: ClinVar variation 1452243 (VCV001452243.6), dbSNP rs775406459, ClinGen allele CA8940539.
Genomic context (GRCh38, chr18:36,200,298, plus strand): 5'-GAGGAAGACCTACTTTGGAGGAGGGACAGCCTCTGCGTACCTAGCAGGAGAAGACTTCTA[CA>C]TCCCGAGGCAGTCGGTAGCTCAGAGGTAACCTTGCCACAGGGGAGGGGTCAGAGGAGTTC-3'